The following is an entry in ClinVar:

NM_000330.4(RS1):c.176G>T (p.Cys59Phe)

Gene: RS1 (retinoschisin 1; minus strand). Cytogenetic location: Xp22.13.
Variant type: single nucleotide variant.
Coding change: c.176G>T on transcript NM_000330.4 (MANE Select); coding-DNA position 176, G replaced by T.
Protein change: p.Cys59Phe; replaces cysteine 59 with phenylalanine.
Molecular consequence: missense variant.
Genome position (GRCh38, 1-based): chrX:18,656,661, C>A on the plus strand (G>T on the coding strand, the complement: RS1 is on the minus strand). VCF-style: chrX-18656661-C-A. GRCh37 (hg19) VCF-style: chrX-18674781-C-A.
Other names: NM_000330.4:c.176G>T; short protein forms C59F.
Identifiers: ClinVar variation 4279581 (VCV004279581.1).

ClinVar aggregate classification (germline): Likely pathogenic (3 of 4 stars; one submission).

Conditions:
Juvenile retinoschisis (RS1). Also called: X-linked retinoschisis; X-Linked Juvenile Retinoschisis. Identifiers: Orphanet 792, MedGen C3714753, MONDO:0010725, OMIM 312700.

Submission:

ClinGen X-linked Inherited Retinal Disease Variant Curation Expert Panel, ClinGen
Classification: Likely pathogenic for Juvenile retinoschisis. Last evaluated: 2025-10-03. Review status: reviewed by expert panel. Criteria: ClinGen X LinkedIRD ACMG Specifications RS1 V1.0.0. Collection method: curation. Allele origin: germline. Inheritance: X-linked inheritance.
Comment: NM_000330.4(RS1):c.176G>T (p.Cys59Phe) is a missense variant encoding the substitution of cysteine with phenylalanine at amino acid 59, which is a critical amino acid residue involved in disulfide bridge formation as defined by the ClinGen X-linked IRD VCEP (PMID: 26812435, PM1_Strong). Another missense variant in the same codon, NM_000330.4(RS1):c.175T>A (p.Cys59Ser), (PMIDs: 31174210, 10450864, 17987333, 9618178) has been classified as pathogenic for X-linked retinoschisis by the ClinGen X-linked IRD VCEP, while no benign missense variants have been identified in this codon. The present variant has a higher Grantham’s distance (205) than the comparison variant (112), and SpliceAI has been used to confirm that neither variant has a predicted impact on RS1 splicing (PM5). This variant is absent from hemizygous individuals in gnomAD v4.1.0 (PM2_Supporting). The computational predictor REVEL gives a score of 0.757, which is within the ClinGen X-linked IRD VCEP range between 0.772 to 0.644 and predicts a damaging effect on RS1 function. PP3 is not met since this code is ineligible in combination with PM1_Strong. The computational splicing predictor SpliceAI gives a delta score of 0.00 for all predictive splice changes, which is below the ClinGen X-linked IRD VCEP threshold of >0.2 and does not predict that the variant disrupts RS1 splicing. In summary, this variant is classified as likely pathogenic for X-linked retinoschisis based on the ClinGen X-linked Inherited Retinal Disease Expert Panel Specifications to the ACMG/AMP Variant Interpretation Guidelines for RS1 Version 1.0.0: PM2_Supporting, PM1_Strong, and PM5.